The following is an entry in ClinVar:

ClinVar aggregate classification (germline): Uncertain significance (1 of 4 stars; one submission).

Submission:

Labcorp Genetics (formerly Invitae), Labcorp
Classification: Uncertain significance. Last evaluated: 2025-05-22. Review status: criteria provided, single submitter. Criteria: Invitae Variant Classification Sherloc (09022015). Collection method: clinical testing. Allele origin: germline.
Comment: This sequence change replaces aspartic acid, which is acidic and polar, with glycine, which is neutral and non-polar, at codon 703 of the DIP2C protein (p.Asp703Gly). This variant is not present in population databases (gnomAD no frequency). This variant has not been reported in the literature in individuals affected with DIP2C-related conditions. An algorithm developed to predict the effect of missense changes on protein structure and function (PolyPhen-2) suggests that this variant is likely to be disruptive. In summary, the available evidence is currently insufficient to determine the role of this variant in disease. Therefore, it has been classified as a Variant of Uncertain Significance.

NM_014974.3(DIP2C):c.2108A>G (p.Asp703Gly)

Gene: DIP2C (DIP2 acetate--CoA ligase C (putative); minus strand). Cytogenetic location: 10p15.3.
Variant type: single nucleotide variant.
Coding change: c.2108A>G on transcript NM_014974.3 (MANE Select); coding-DNA position 2108, A replaced by G.
Protein change: p.Asp703Gly; replaces aspartic acid 703 with glycine.
Molecular consequence: missense variant.
Genome position (GRCh38, 1-based): chr10:369,517, T>C on the plus strand (A>G on the coding strand, the complement: DIP2C is on the minus strand). VCF-style: chr10-369517-T-C. GRCh37 (hg19) VCF-style: chr10-415457-T-C.
Other names: short protein forms D703G.
Identifiers: ClinVar variation 4712552 (VCV004712552.1).